The following is an entry in ClinVar:

ClinVar aggregate classification (germline): Benign (1 of 4 stars; one submission).

Allele frequency attached by ClinVar (database versions not stated): 1000 Genomes Project 30x 0.75843; 1000 Genomes Project 0.76158; gnomAD exomes 0.79752; TOPMed 0.80578.
gnomAD v4.1: 1,209,541 of 1,512,782 alleles (80%); highest among the groups gnomAD compares: African/African-American, 92%; 486,803 homozygotes.

Submission:

Unidad de Genómica Garrahan, Hospital de Pediatría Garrahan
Classification: Benign. Last evaluated: 2024-01-24. Review status: criteria provided, single submitter. Criteria: ACMG Guidelines, 2015. Collection method: clinical testing. Allele origin: germline. Affected: no. Observed: 76 variant alleles.
Comment: This variant is classified as Benign based on local population frequency. This variant was detected in 80% of patients studied by a panel of primary immunodeficiencies. Number of patients: 76. Only high quality variants are reported.

NM_014339.7(IL17RA):c.138+87G>T

Gene: IL17RA (interleukin 17 receptor A; plus strand). Cytogenetic location: 22q11.1.
Variant type: single nucleotide variant.
Coding change: c.138+87G>T on transcript NM_014339.7 (MANE Select); 87 bases into the intron after coding-DNA position 138, G replaced by T.
Molecular consequence: intron variant.
Genome position (GRCh38, 1-based): chr22:17,085,316, G>T. VCF-style: chr22-17085316-G-T. GRCh37 (hg19) VCF-style: chr22-17566206-G-T.
Other names: c.138+87G>T (NM_001289905.2).
Identifiers: ClinVar variation 2687982 (VCV002687982.2), dbSNP rs2270241, ClinGen allele CA14980092.